The following is an entry in ClinVar:

ClinVar aggregate classification (germline): Likely benign. Review status: criteria provided, multiple submitters, no conflicts (2 of 4 stars). 2 submissions from 2 submitters: Likely benign (2). Last evaluated 2025-05-27.

Conditions:
PCNT-related disorder. Also called: PCNT-related condition.

Allele frequency attached by ClinVar (database versions not stated): gnomAD 0.00001; gnomAD exomes 0.00003; TOPMed 0.00003; ExAC 0.00006.
gnomAD v4.1: 52 of 1,596,368 alleles (0.0033%); highest among the groups gnomAD compares: East Asian, 0.052%; no homozygotes.

Submissions (2):

PreventionGenetics, part of Exact Sciences
Classification: Likely benign for PCNT-related condition. Last evaluated: 2025-05-27. Review status: criteria provided, single submitter. Criteria: ACMG Guidelines, 2015. Collection method: clinical testing. Allele origin: germline.
Comment: This variant is classified as likely benign based on ACMG/AMP sequence variant interpretation guidelines (Richards et al. 2015 PMID: 25741868, with internal and published modifications).

Labcorp Genetics (formerly Invitae), Labcorp
Classification: Likely benign. Last evaluated: 2024-01-24. Review status: criteria provided, single submitter. Criteria: Invitae Variant Classification Sherloc (09022015). Collection method: clinical testing. Allele origin: germline.

NM_006031.6(PCNT):c.723C>T (p.Ala241=)

Gene: PCNT (pericentrin; plus strand). Cytogenetic location: 21q22.3.
Variant type: single nucleotide variant.
Coding change: c.723C>T on transcript NM_006031.6 (MANE Select); coding-DNA position 723, C replaced by T.
Protein change: p.Ala241=; no amino-acid change (alanine 241 retained).
Molecular consequence: synonymous variant.
Genome position (GRCh38, 1-based): chr21:46,346,745, C>T. VCF-style: chr21-46346745-C-T. GRCh37 (hg19) VCF-style: chr21-47766659-C-T.
Other names: c.369C>T, p.Ala123= (NM_001315529.2); c.723C>T (NM_006031.5).
Identifiers: ClinVar variation 2890504 (VCV002890504.4), dbSNP rs758811823, ClinGen allele CA10078400.